The following is an entry in ClinVar:

NM_032608.7(MYO18B):c.5558C>T (p.Thr1853Met)

Gene: MYO18B (myosin XVIIIB; plus strand). Cytogenetic location: 22q12.1.
Variant type: single nucleotide variant.
Coding change: c.5558C>T on transcript NM_032608.7 (MANE Select); coding-DNA position 5558, C replaced by T.
Protein change: p.Thr1853Met; replaces threonine 1853 with methionine.
Molecular consequence: missense variant.
Genome position (GRCh38, 1-based): chr22:25,946,177, C>T. VCF-style: chr22-25946177-C-T. GRCh37 (hg19) VCF-style: chr22-26342143-C-T.
Other names: c.5561C>T, p.Thr1854Met (NM_001318245.2); c.5558C>T (NM_032608.5); short protein forms T1853M, T1854M.
Identifiers: ClinVar variation 1384626 (VCV001384626.6), dbSNP rs758935335, ClinGen allele CA10161199.

ClinVar aggregate classification (germline): Uncertain significance. Review status: criteria provided, multiple submitters, no conflicts (2 of 4 stars). 2 submissions from 2 submitters: Uncertain significance (2). Last evaluated 2025-01-08.

Conditions:
Inborn genetic diseases. Identifiers: MedGen C0950123, MeSH D030342.

Allele frequency attached by ClinVar (database versions not stated): gnomAD exomes 0.00005; ExAC 0.00006; gnomAD 0.00006; TOPMed 0.00009.
gnomAD v4.1: 56 of 1,578,080 alleles (0.0035%); highest among the groups gnomAD compares: East Asian, 0.0093%; no homozygotes.

Submissions (2):

Labcorp Genetics (formerly Invitae), Labcorp
Classification: Uncertain significance. Last evaluated: 2025-01-08. Review status: criteria provided, single submitter. Criteria: Invitae Variant Classification Sherloc (09022015). Collection method: clinical testing. Allele origin: germline.
Comment: This sequence change replaces threonine, which is neutral and polar, with methionine, which is neutral and non-polar, at codon 1853 of the MYO18B protein (p.Thr1853Met). This variant is present in population databases (rs758935335, gnomAD 0.02%). This variant has not been reported in the literature in individuals affected with MYO18B-related conditions. ClinVar contains an entry for this variant (Variation ID: 1384626). An algorithm developed to predict the effect of missense changes on protein structure and function (PolyPhen-2) suggests that this variant¬†is likely to be tolerated. In summary, the available evidence is currently insufficient to determine the role of this variant in disease. Therefore, it has been classified as a Variant of Uncertain Significance.

Ambry Genetics
Classification: Uncertain significance for Inborn genetic diseases. Last evaluated: 2024-08-05. Review status: criteria provided, single submitter. Criteria: Ambry Variant Classification Scheme 2023. Collection method: clinical testing. Allele origin: germline.